The following is an entry in ClinVar:

ClinVar aggregate classification (germline): Uncertain significance. Review status: criteria provided, multiple submitters, no conflicts (2 of 4 stars). 4 submissions from 4 submitters: Uncertain significance (3). 1 of the submissions does not count toward it. Last evaluated 2025-01-05.

Conditions:
Epithelial recurrent erosion dystrophy (ERED). Also called: CORNEAL EROSIONS, RECURRING HEREDITARY. Identifiers: Orphanet 293381, MedGen C1852551, MONDO:0007381, OMIM 122400.
Amelogenesis imperfecta type 1A. Also called: Amelogenesis imperfecta, type IA; AMELOGENESIS IMPERFECTA, HYPOPLASTIC TYPE IA; Amelogenesis imperfecta local hypoplastic; Amelogenesis imperfecta, hypoplastic type. Identifiers: Orphanet 88661, MedGen C4011403, MONDO:0007094, OMIM 104530.

Allele frequency attached by ClinVar (database versions not stated): ESP Exome Variant Server 0.00008; ExAC 0.00013; TOPMed 0.00014; gnomAD 0.00016; gnomAD exomes 0.00027.
gnomAD v4.1: 415 of 1,613,940 alleles (0.026%); highest among the groups gnomAD compares: Non-Finnish European, 0.033%; 1 homozygote.

Submissions (4):

Labcorp Genetics (formerly Invitae), Labcorp
Classification: Uncertain significance. Last evaluated: 2025-01-05. Review status: criteria provided, single submitter. Criteria: Invitae Variant Classification Sherloc (09022015). Collection method: clinical testing. Allele origin: germline.
Comment: This sequence change replaces glycine, which is neutral and non-polar, with serine, which is neutral and polar, at codon 671 of the COL17A1 protein (p.Gly671Ser). This variant is present in population databases (rs148601977, gnomAD 0.02%). This missense change has been observed in individual(s) with clinical features of COL17A1-related conditions (PMID: 37979963). ClinVar contains an entry for this variant (Variation ID: 1709533). Invitae Evidence Modeling of protein sequence and biophysical properties (such as structural, functional, and spatial information, amino acid conservation, physicochemical variation, residue mobility, and thermodynamic stability) has been performed for this missense variant. However, the output from this modeling did not meet the statistical confidence thresholds required to predict the impact of this variant on COL17A1 protein function. In summary, the available evidence is currently insufficient to determine the role of this variant in disease. Therefore, it has been classified as a Variant of Uncertain Significance.

GeneDx
Classification: Uncertain significance. Last evaluated: 2022-06-28. Review status: criteria provided, single submitter. Criteria: GeneDx Variant Classification Process June 2021. Collection method: clinical testing. Allele origin: germline. Affected: yes.
Comment: Has not been previously published as pathogenic or benign to our knowledge; Substitutions of the Glycine position within the canonical Gly-X-Y repeat in the collagenous carboxy-terminal domain of the protein destabilize the homomeric collagen 17 triple helix, leading to fragile hemidesmosomes and basement membrane zone (Pfendner and Lucky, 2018); In silico analysis supports that this missense variant has a deleterious effect on protein structure/function

MGZ Medical Genetics Center
Classification: Uncertain significance for Epithelial recurrent erosion dystrophy. Last evaluated: 2022-06-09. Review status: criteria provided, single submitter. Criteria: ACMG Guidelines, 2015. Collection method: clinical testing. Allele origin: germline. Affected: yes. Observed: 1 variant allele.
Comment: ACMG criteria applied: PM2_SUP, PP3

Leeds Amelogenesis Imperfecta Research Group, University of Leeds
Classification: Likely pathogenic for Amelogenesis imperfecta type 1A. Last evaluated: 2023-07-12. Review status: no assertion criteria provided. Collection method: research. Allele origin: unknown. Inheritance: Autosomal dominant inheritance. Affected: yes. Not counted in ClinVar's aggregate classification.

Literature cited by the submitters: PubMed 37979963 (cited by Labcorp Genetics (formerly Invitae), Labcorp).

NM_000494.4(COL17A1):c.2011G>A (p.Gly671Ser)

Gene: COL17A1 (collagen type XVII alpha 1 chain; minus strand). Cytogenetic location: 10q25.1.
Variant type: single nucleotide variant.
Coding change: c.2011G>A on transcript NM_000494.4 (MANE Select); coding-DNA position 2011, G replaced by A.
Protein change: p.Gly671Ser; replaces glycine 671 with serine.
Molecular consequence: missense variant.
Genome position (GRCh38, 1-based): chr10:104,051,508, C>T on the plus strand (G>A on the coding strand, the complement: COL17A1 is on the minus strand). VCF-style: chr10-104051508-C-T. GRCh37 (hg19) VCF-style: chr10-105811266-C-T.
Other names: c.2011G>A (NM_000494.3); short protein forms G671S.
Identifiers: ClinVar variation 1709533 (VCV001709533.6), dbSNP rs148601977, ClinGen allele CA5678753.